The following is an entry in ClinVar:

NM_001080517.3(SETD5):c.1561_1564dup (p.Phe522fs)

Gene: SETD5 (SET domain containing 5; plus strand). Cytogenetic location: 3p25.3.
Variant type: Duplication.
Coding change: c.1561_1564dup on transcript NM_001080517.3 (MANE Select); coding-DNA positions 1561 to 1564, 4 bases duplicated (GCTT; older notation c.1561_1564dupGCTT).
Protein change: p.Phe522fs; shifts the reading frame from phenylalanine 522.
Molecular consequence: frameshift variant.
Genome position (GRCh38, 1-based): chr3:9,447,086-9,447,089, GCTT duplicated; duplicating any 4 consecutive bases within chr3:9,447,085-9,447,089 gives the same sequence; the c. name uses the placement nearest the transcript's 3' end. VCF-style (leftmost placement, unchanged base first): chr3-9447084-A-ATGCT. GRCh37 (hg19) VCF-style: chr3-9488768-A-ATGCT.
Other names: c.1267_1270dup, p.Phe424fs (NM_001292043.2, NM_001349451.2); short protein forms F424fs, F522fs.
Identifiers: ClinVar variation 3764622 (VCV003764622.1).

ClinVar aggregate classification (germline): Pathogenic (1 of 4 stars; one submission).

Conditions:
Intellectual disability-facial dysmorphism syndrome due to SETD5 haploinsufficiency (MRD23). Also called: Intellectual developmental disorder, autosomal dominant 23. Identifiers: Orphanet 404440, MedGen C3810406, MONDO:0014336, OMIM 615761.

Submission:

Daryl Scott Lab, Baylor College of Medicine
Classification: Pathogenic for Intellectual disability-facial dysmorphism syndrome due to SETD5 haploinsufficiency. Last evaluated: 2024-01-01. Review status: criteria provided, single submitter. Criteria: ACMG Guidelines, 2015. Collection method: clinical testing. Allele origin: de novo. Affected: yes. Observed: 1 heterozygote.
Comment: PVS1, PS2, PM2